The following is an entry in ClinVar:

NM_000875.5(IGF1R):c.*687C>T

Gene: IGF1R (insulin like growth factor 1 receptor; plus strand). Cytogenetic location: 15q26.3.
Variant type: single nucleotide variant.
Coding change: c.*687C>T on transcript NM_000875.5 (MANE Select); 687 bases downstream of the stop codon, C replaced by T.
Molecular consequence: 3 prime UTR variant.
Genome position (GRCh38, 1-based): chr15:98,958,129, C>T. VCF-style: chr15-98958129-C-T. GRCh37 (hg19) VCF-style: chr15-99501358-C-T.
Other names: c.*687C>T (NM_001291858.2).
Identifiers: ClinVar variation 886831 (VCV000886831.4), dbSNP rs529711304, ClinGen allele CA275334032.

ClinVar aggregate classification (germline): Likely benign (1 of 4 stars; one submission).

Conditions:
Growth delay due to insulin-like growth factor I resistance. Also called: Somatomedin end-organ insensitivity to; Somatomedin-c resistance to; IGF-1 resistance; IGF-I RESISTANCE; Insulin-Like Growth Factor I Resistance. Identifiers: Orphanet 73273, MedGen C1849157, MONDO:0010038, OMIM 270450.

Allele frequency attached by ClinVar (database versions not stated): TOPMed 0.00006; gnomAD 0.00010 and 0.00029; 1000 Genomes Project 30x 0.00187; 1000 Genomes Project 0.00200.
gnomAD v4.1: 56 of 233,568 alleles (0.024%); highest among the groups gnomAD compares: South Asian, 0.74%; 2 homozygotes.

Submission:

Illumina Laboratory Services, Illumina
Classification: Likely benign for Growth delay due to insulin-like growth factor I resistance. Last evaluated: 2018-01-12. Review status: criteria provided, single submitter. Criteria: ICSL Variant Classification Criteria 13 December 2019. Collection method: clinical testing. Allele origin: germline.
Comment: This variant was observed in the ICSL laboratory as part of a predisposition screen in an ostensibly healthy population. It had not been previously curated by ICSL or reported in the Human Gene Mutation Database (HGMD: prior to June 1st, 2018), and was therefore a candidate for classification through an automated scoring system. Utilizing variant allele frequency, disease prevalence and penetrance estimates, and inheritance mode, an automated score was calculated to assess if this variant is too frequent to cause the disease. Based on the score and internal cut-off values, a variant classified as likely benign is not then subjected to further curation. The score for this variant resulted in a classification of likely benign for this disease.